The following is an entry in ClinVar:

NM_001931.5(DLAT):c.240G>A (p.Ser80=)

Gene: DLAT (dihydrolipoamide S-acetyltransferase; plus strand). Cytogenetic location: 11q23.1.
Variant type: single nucleotide variant.
Coding change: c.240G>A on transcript NM_001931.5 (MANE Select); coding-DNA position 240, G replaced by A.
Protein change: p.Ser80=; no amino-acid change (serine 80 retained).
Molecular consequence: synonymous variant. On other transcripts: missense variant (1), 5 prime UTR variant (1), non-coding transcript variant (1), intron variant (1).
Genome position (GRCh38, 1-based): chr11:112,025,712, G>A. VCF-style: chr11-112025712-G-A. GRCh37 (hg19) VCF-style: chr11-111896436-G-A.
Other names: c.240G>A, p.Ser80= (NM_001372031.1, NM_001372032.1, NM_001372033.1 and 6 more transcripts); c.199G>A, p.Ala67Thr (NM_001372036.1); c.-227G>A (NM_001372042.1); c.111+88G>A (NM_001372037.1); short protein forms A67T.
Identifiers: ClinVar variation 507544 (VCV000507544.9), dbSNP rs587735788, ClinGen allele CA6276559.
Genomic context (GRCh38, chr11:112,025,712, plus strand): 5'-CTGGACCCCCAGTTCTGGGGCCACGCCGCGGAACCGCTTACTGCTGCAGCTTTTGGGGTC[G>A]CCCGGCCGCCGCTATTACAGTCTTCCCCCGCATCAGAAGGTGAGCCCTAGACCCCCCTTC-3'
Protein context (NP_001922.2, residues 70-90): RNRLLLQLLG[Ser80=]PGRRYYSLPP

ClinVar aggregate classification (germline): Likely benign. Review status: criteria provided, multiple submitters, no conflicts (2 of 4 stars). 2 submissions from 2 submitters: Likely benign (2). Last evaluated 2020-11-14.

Conditions:
Pyruvate dehydrogenase E2 deficiency (PDHDD). Also called: Dihydrolipoamide Acetyltransferase (E2) Deficiency; LACTIC ACIDEMIA DUE TO DEFECT OF E2 LIPOYL TRANSACETYLASE OF THE PYRUVATE DEHYDROGENASE COMPLEX. Identifiers: Orphanet 765, Orphanet 79244, MedGen C1855565, MONDO:0009502, OMIM 245348.

Allele frequency attached by ClinVar (database versions not stated): gnomAD 0.00001; TOPMed 0.00001; ExAC 0.00006; 1000 Genomes Project 30x 0.00016; 1000 Genomes Project 0.00020.
gnomAD v4.1: 36 of 1,612,778 alleles (0.0022%); highest among the groups gnomAD compares: South Asian, 0.021%; no homozygotes.

Submissions (2):

Labcorp Genetics (formerly Invitae), Labcorp
Classification: Likely benign for Pyruvate dehydrogenase E2 deficiency. Last evaluated: 2020-11-14. Review status: criteria provided, single submitter. Criteria: Invitae Variant Classification Sherloc (09022015). Collection method: clinical testing. Allele origin: germline.

GeneDx
Classification: Likely benign. Last evaluated: 2017-02-28. Review status: criteria provided, single submitter. Criteria: GeneDx Variant Classification (06012015). Collection method: clinical testing. Allele origin: germline. Affected: yes.
Comment: This variant is considered likely benign or benign based on one or more of the following criteria: it is a conservative change, it occurs at a poorly conserved position in the protein, it is predicted to be benign by multiple in silico algorithms, and/or has population frequency not consistent with disease.